The following is an entry in ClinVar:

NM_003243.5(TGFBR3):c.1051T>A (p.Phe351Ile)

Gene: TGFBR3 (transforming growth factor beta receptor 3; minus strand). Cytogenetic location: 1p22.1.
Variant type: single nucleotide variant.
Coding change: c.1051T>A on transcript NM_003243.5 (MANE Select); coding-DNA position 1051, T replaced by A.
Protein change: p.Phe351Ile; replaces phenylalanine 351 with isoleucine.
Molecular consequence: missense variant. On other transcripts: non-coding transcript variant (1).
Genome position (GRCh38, 1-based): chr1:91,721,979, A>T on the plus strand (T>A on the coding strand, the complement: TGFBR3 is on the minus strand). VCF-style: chr1-91721979-A-T. GRCh37 (hg19) VCF-style: chr1-92187536-A-T.
Other names: c.1051T>A, p.Phe351Ile (NM_001195683.2, NM_001195684.1); short protein forms F351I.
Identifiers: ClinVar variation 3041129 (VCV003041129.2), dbSNP rs11466592, ClinGen allele CA947902.

ClinVar aggregate classification (germline): Likely benign (0 of 4 stars; one submission).

Conditions:
TGFBR3-related disorder. Also called: TGFBR3-related condition.

Allele frequency attached by ClinVar (database versions not stated): gnomAD exomes 0.00015; ExAC 0.00050; gnomAD 0.00138; TOPMed 0.00157; 1000 Genomes Project 30x 0.00187; ESP Exome Variant Server 0.00192; 1000 Genomes Project 0.00200.
gnomAD v4.1: 439 of 1,613,262 alleles (0.027%); highest among the groups gnomAD compares: African/African-American, 0.53%; 1 homozygote.

Submission:

PreventionGenetics, part of Exact Sciences
Classification: Likely benign for TGFBR3-related condition. Last evaluated: 2022-07-25. Review status: no assertion criteria provided. Collection method: clinical testing. Allele origin: germline.
Comment: This variant is classified as likely benign based on ACMG/AMP sequence variant interpretation guidelines (Richards et al. 2015 PMID: 25741868, with internal and published modifications).